The following is an entry in ClinVar:

ClinVar aggregate classification (germline): Uncertain significance. Review status: criteria provided, multiple submitters, no conflicts (2 of 4 stars). 2 submissions from 2 submitters: Uncertain significance (2). Last evaluated 2025-07-15.

Conditions:
Dystonic disorder. Also called: Dystonia. Identifiers: MedGen C0013421, MONDO:0003441, HP:0001332.
Inborn genetic diseases. Identifiers: MedGen C0950123, MeSH D030342.

gnomAD v4.1: 43 of 1,611,220 alleles (0.0027%); highest among the groups gnomAD compares: Non-Finnish European, 0.0036%; no homozygotes.

Submissions (2):

Ambry Genetics
Classification: Uncertain significance for Inborn genetic diseases. Last evaluated: 2025-07-15. Review status: criteria provided, single submitter. Criteria: Ambry Variant Classification Scheme 2023. Collection method: clinical testing. Allele origin: germline.

Labcorp Genetics (formerly Invitae), Labcorp
Classification: Uncertain significance for Dystonic disorder. Last evaluated: 2024-07-24. Review status: criteria provided, single submitter. Criteria: Invitae Variant Classification Sherloc (09022015). Collection method: clinical testing. Allele origin: germline.
Comment: This sequence change replaces tyrosine, which is neutral and polar, with histidine, which is basic and polar, at codon 43 of the TOR1A protein (p.Tyr43His). The frequency data for this variant in the population databases is considered unreliable, as metrics indicate poor data quality at this position in the gnomAD database. This variant has not been reported in the literature in individuals affected with TOR1A-related conditions. Advanced modeling of protein sequence and biophysical properties (such as structural, functional, and spatial information, amino acid conservation, physicochemical variation, residue mobility, and thermodynamic stability) performed at Invitae indicates that this missense variant is not expected to disrupt TOR1A protein function with a negative predictive value of 80%. In summary, the available evidence is currently insufficient to determine the role of this variant in disease. Therefore, it has been classified as a Variant of Uncertain Significance.

NM_000113.3(TOR1A):c.127T>C (p.Tyr43His)

Gene: TOR1A (torsin family 1 member A; minus strand). Cytogenetic location: 9q34.11.
Variant type: single nucleotide variant.
Coding change: c.127T>C on transcript NM_000113.3 (MANE Select); coding-DNA position 127, T replaced by C.
Protein change: p.Tyr43His; replaces tyrosine 43 with histidine.
Molecular consequence: missense variant.
Genome position (GRCh38, 1-based): chr9:129,823,959, A>G on the plus strand (T>C on the coding strand, the complement: TOR1A is on the minus strand). VCF-style: chr9-129823959-A-G. GRCh37 (hg19) VCF-style: chr9-132586238-A-G.
Other names: c.127T>C (NM_000113.2); short protein forms Y43H.
Identifiers: ClinVar variation 3668072 (VCV003668072.3).